The following is an entry in ClinVar:

NM_000512.5(GALNS):c.499T>G (p.Phe167Val)

Gene: GALNS (galactosamine (N-acetyl)-6-sulfatase; minus strand). Cytogenetic location: 16q24.3.
Variant type: single nucleotide variant.
Coding change: c.499T>G on transcript NM_000512.5 (MANE Select); coding-DNA position 499, T replaced by G.
Protein change: p.Phe167Val; replaces phenylalanine 167 with valine.
Molecular consequence: missense variant. On other transcripts: 5 prime UTR variant (1).
Genome position (GRCh38, 1-based): chr16:88,837,689, A>C on the plus strand (T>G on the coding strand, the complement: GALNS is on the minus strand). VCF-style: chr16-88837689-A-C. GRCh37 (hg19) VCF-style: chr16-88904097-A-C.
Other names: c.-57T>G (NM_001323543.2); c.517T>G, p.Phe173Val (NM_001323544.2); short protein forms F167V, F173V.
Identifiers: ClinVar variation 321204 (VCV000321204.31), dbSNP rs148565559, ClinGen allele CA8235120.

ClinVar aggregate classification (germline): Conflicting classifications of pathogenicity. Review status: criteria provided, conflicting classifications (1 of 4 stars). 9 submissions from 9 submitters: Likely pathogenic (2); Uncertain significance (7). Last evaluated 2026-09-15.

Conditions:
GALNS-related disorder. Also called: GALNS-related condition.
Mucopolysaccharidosis, MPS-IV-A (MPS4A). Also called: mucopolysaccharidosis type 4A; Morquio syndrome A, mild; MORQUIO SYNDROME A; MPS IVA; Mucopolysaccharidosis type IV A; GALACTOSAMINE-6-SULFATASE DEFICIENCY. Identifiers: Orphanet 309297, Orphanet 582, MedGen C0086651, MONDO:0009659, OMIM 253000.

Allele frequency attached by ClinVar (database versions not stated): 1000 Genomes Project 30x 0.00031; 1000 Genomes Project 0.00040; ESP Exome Variant Server 0.00115; TOPMed 0.00137.
gnomAD v4.1: 2,524 of 1,614,082 alleles (0.16%); highest among the groups gnomAD compares: Non-Finnish European, 0.2%; 4 homozygotes.

Submissions (9):

PreventionGenetics, part of Exact Sciences
Classification: Uncertain significance for GALNS-related condition. Last evaluated: 2026-09-15. Review status: criteria provided, single submitter. Criteria: ACMG Guidelines, 2015. Collection method: clinical testing. Allele origin: germline.
Comment: The GALNS c.499T>G variant is predicted to result in the amino acid substitution p.Phe167Val. This variant has been reported in the compound heterozygous state in two individuals (siblings) who had an attenuated form of mucopolysaccharidosis, type IVA (Tomatsu et al. 2005. PubMed ID: 16287098; Montaño et al. 2007. PubMed ID: 17876718). Functional analyses also demonstrated that the p.Phe167Val led to reduced protein function as compared to wild type (Montaño et al. 2007. PubMed ID: 17876718). This variant is reported in 0.18% of alleles in individuals of European (Non-Finnish) descent in gnomAD v2, including one homozygote. At this time, the clinical significance of this variant is uncertain due to the absence of conclusive functional and genetic evidence.

Laboratory of Medical Genetics, University of Torino
Classification: Uncertain significance for Mucopolysaccharidosis, MPS-IV-A. Last evaluated: 2026-06-29. Review status: criteria provided, single submitter. Criteria: ACMG Guidelines, 2015. Collection method: clinical testing. Allele origin: maternal. Affected: yes.

Women's Health and Genetics/Laboratory Corporation of America, LabCorp
Classification: Uncertain significance. Last evaluated: 2026-02-18. Review status: criteria provided, single submitter. Criteria: LabCorp Variant Classification Summary - May 2015. Collection method: clinical testing. Allele origin: germline.
Comment: Variant summary: GALNS c.499T>G (p.Phe167Val) results in a non-conservative amino acid change located in the Sulfatase, N-terminal domain (IPR000917) of the encoded protein sequence. Algorithms developed to predict the effect of missense changes on protein structure and function all suggest that this variant is likely to be disruptive. The variant allele was found at a frequency of 0.0016 in 1614082 control chromosomes, predominantly at a frequency of 0.002 within the Non-Finnish European subpopulation in the gnomAD database, including 3 GALNS c.499T>G (p.Phe167Val) results in a non-conservative amino acid change located in the Sulfatase, N-terminal domain (IPR000917) of the encoded protein sequence. Algorithms developed to predict the effect of missense changes on protein structure and function all suggest that this variant is likely to be disruptive. The variant allele was found at a frequency of 0.0016 in 1614082 control chromosomes, predominantly at a frequency of 0.002 within the Non-Finnish European subpopulation in the gnomAD database, including 3 homozygotes. This frequency is similar to the estimated frequency for a pathogenic variant in GALNS causing Mucopolysaccharidosis Type IVA (Morquio Syndrome A) (0.0016 vs 0.002), which is suggestive of a benign role for this variant. c.499T>G has been observed in compound heterozygous individuals affected with an attenuated form of Mucopolysaccharidosis Type IVA (Morquio Syndrome A) who carried a second missense variant considered pathogenic by our laboratory (example: Tomatsu_2005, Montano_2007). At least one additional compound heterozygous individual has been reported with clinical features of Mucopolysaccharidosis Type IVA who also carries a loss of function variant predicted to undergo nonsense mediated decay (example: Hiatt_2023). At least one publication reports experimental evidence evaluating an impact on protein function, indicating that the variant results in reduced activity and reduced affinity for substrate (e.g. Montano_2007). The data suggests that the pathogenicity of this variant may be genotype dependent. The following publications have been ascertained in the context of this evaluation (PMID: 36586412, 34828358, 38258498, 17876718, 25287660, 22940367, 31732130, 25501214, 16287098). ClinVar contains an entry for this variant (Variation ID: 321204). Based on the evidence outlined above, the variant was classified as VUS-possibly pathogenic.

Blueprint Genetics
Classification: Uncertain significance. Last evaluated: 2024-11-18. Review status: criteria provided, single submitter. Criteria: ACMG Guidelines, 2015. Collection method: clinical testing. Allele origin: germline.

Department of Pathology and Laboratory Medicine, Sinai Health System
Classification: Likely pathogenic for Mucopolysaccharidosis, MPS-IV-A. Last evaluated: 2022-11-10. Review status: criteria provided, single submitter. Criteria: ACMG Guidelines, 2015. Collection method: research. Allele origin: germline.

Labcorp Genetics (formerly Invitae), Labcorp
Classification: Uncertain significance for Mucopolysaccharidosis, MPS-IV-A. Last evaluated: 2022-10-30. Review status: criteria provided, single submitter. Criteria: Invitae Variant Classification Sherloc (09022015). Collection method: clinical testing. Allele origin: germline.
Comment: This sequence change replaces phenylalanine, which is neutral and non-polar, with valine, which is neutral and non-polar, at codon 167 of the GALNS protein (p.Phe167Val). This variant is present in population databases (rs148565559, gnomAD 0.2%), including at least one homozygous and/or hemizygous individual. This missense change has been observed in individual(s) with mucopolysaccharidosis IVA (PMID: 17876718). ClinVar contains an entry for this variant (Variation ID: 321204). Advanced modeling of protein sequence and biophysical properties (such as structural, functional, and spatial information, amino acid conservation, physicochemical variation, residue mobility, and thermodynamic stability) performed at Invitae indicates that this missense variant is expected to disrupt GALNS protein function. Experimental studies have shown that this missense change affects GALNS function (PMID: 17876718). In summary, the available evidence is currently insufficient to determine the role of this variant in disease. Therefore, it has been classified as a Variant of Uncertain Significance.

Mayo Clinic Laboratories, Mayo Clinic
Classification: Likely pathogenic. Last evaluated: 2021-12-15. Review status: criteria provided, single submitter. Criteria: ACMG Guidelines, 2015. Collection method: clinical testing. Allele origin: germline.
Comment: PP3, PM2, PM3_supporting, PS3

Genome-Nilou Lab
Classification: Uncertain significance for Mucopolysaccharidosis, MPS-IV-A. Last evaluated: 2021-11-07. Review status: criteria provided, single submitter. Criteria: ACMG Guidelines, 2015. Collection method: clinical testing. Allele origin: germline. Affected: no.

Laboratory of Diagnosis and Therapy of Lysosomal Disorders, University of Padova
Classification: Uncertain significance for Mucopolysaccharidosis, MPS-IV-A. Last evaluated: 2021-02-01. Review status: criteria provided, single submitter. Criteria: ACMG Guidelines, 2015. Collection method: curation. Allele origin: germline. Affected: yes.
Comment: In vitro functional studies supportive of a damaging effect on the gene product (low in vitro enzymatic activity; PS3_supporting); multiple lines of computational evidence support a deleterious effect on the gene (PP3_supporting)

Literature cited by the submitters: PubMed 25501214 (cited by Women's Health and Genetics/Laboratory Corporation of America, LabCorp and Mayo Clinic Laboratories, Mayo Clinic); PubMed 16287098 (cited by 3 submitters); PubMed 25287660 (cited by Women's Health and Genetics/Laboratory Corporation of America, LabCorp and Mayo Clinic Laboratories, Mayo Clinic); PubMed 17876718 (cited by 4 submitters); PubMed 22940367 (cited by Women's Health and Genetics/Laboratory Corporation of America, LabCorp and Mayo Clinic Laboratories, Mayo Clinic); PubMed 34828358 (cited by Women's Health and Genetics/Laboratory Corporation of America, LabCorp); PubMed 31732130 (cited by 3 submitters); PubMed 36586412 (cited by Women's Health and Genetics/Laboratory Corporation of America, LabCorp); PubMed 38258498 (cited by Women's Health and Genetics/Laboratory Corporation of America, LabCorp); PubMed 25137622 (cited by Mayo Clinic Laboratories, Mayo Clinic); PubMed 34387910 (cited by Laboratory of Diagnosis and Therapy of Lysosomal Disorders, University of Padova).